The following is an entry in ClinVar:

ClinVar aggregate classification (germline): Uncertain significance (1 of 4 stars; one submission).

Conditions:
PLXNA3-related disorder. Also called: PLXNA3-related condition.

Submission:

PreventionGenetics, part of Exact Sciences
Classification: Uncertain significance for PLXNA3-related condition. Last evaluated: 2025-07-26. Review status: criteria provided, single submitter. Criteria: ACMG Guidelines, 2015. Collection method: clinical testing. Allele origin: germline.
Comment: The PLXNA3 c.85A>G variant is predicted to result in the amino acid substitution p.Thr29Ala. To our knowledge, this variant has not been reported in the literature. This variant is reported in 0.0013% of alleles in individuals of European (Non-Finnish) descent in gnomAD. At this time, the clinical significance of this variant is uncertain due to the absence of conclusive functional and genetic evidence.

NM_017514.5(PLXNA3):c.85A>G (p.Thr29Ala)

Gene: PLXNA3 (plexin A3; plus strand). Cytogenetic location: Xq28.
Variant type: single nucleotide variant.
Coding change: c.85A>G on transcript NM_017514.5 (MANE Select); coding-DNA position 85, A replaced by G.
Protein change: p.Thr29Ala; replaces threonine 29 with alanine.
Molecular consequence: missense variant.
Genome position (GRCh38, 1-based): chrX:154,460,268, A>G. VCF-style: chrX-154460268-A-G. GRCh37 (hg19) VCF-style: chrX-153688608-A-G.
Other names: short protein forms T29A.
Identifiers: ClinVar variation 4990396 (VCV004990396.1).